The following is an entry in ClinVar:

NM_014053.4(FLVCR1):c.721G>A (p.Ala241Thr)

Gene: FLVCR1 (FLVCR choline and heme transporter 1; plus strand). Cytogenetic location: 1q32.3.
Variant type: single nucleotide variant.
Coding change: c.721G>A on transcript NM_014053.4 (MANE Select); coding-DNA position 721, G replaced by A.
Protein change: p.Ala241Thr; replaces alanine 241 with threonine.
Molecular consequence: missense variant.
Genome position (GRCh38, 1-based): chr1:212,859,173, G>A. VCF-style: chr1-212859173-G-A. GRCh37 (hg19) VCF-style: chr1-213032515-G-A.
Other names: c.721G>A (NM_014053.3); short protein forms A241T.
Identifiers: ClinVar variation 18419 (VCV000018419.9), dbSNP rs267606819, ClinGen allele CA115241.

ClinVar aggregate classification (germline): Pathogenic. Review status: criteria provided, multiple submitters, no conflicts (2 of 4 stars). 3 submissions from 3 submitters: Pathogenic (2). 1 of the submissions does not count toward it. Last evaluated 2022-02-24.

Conditions:
Posterior column ataxia-retinitis pigmentosa syndrome (RETSNS). Also called: RETINOPATHY-SENSORY NEUROPATHY SYNDROME. Identifiers: Orphanet 88628, MedGen C1836916, MONDO:0012177, OMIM 609033.

Allele frequency attached by ClinVar (database versions not stated): gnomAD exomes below 0.00001.

Submissions (3):

Labcorp Genetics (formerly Invitae), Labcorp
Classification: Pathogenic. Last evaluated: 2022-02-24. Review status: criteria provided, single submitter. Criteria: Invitae Variant Classification Sherloc (09022015). Collection method: clinical testing. Allele origin: germline.
Comment: This variant is not present in population databases (gnomAD no frequency). For these reasons, this variant has been classified as Pathogenic. Experimental studies have shown that this missense change affects FLVCR1 function (PMID: 22483575). Algorithms developed to predict the effect of missense changes on protein structure and function are either unavailable or do not agree on the potential impact of this missense change (SIFT: "Deleterious"; PolyPhen-2: "Possibly Damaging"; Align-GVGD: "Class C0"). ClinVar contains an entry for this variant (Variation ID: 18419). This missense change has been observed in individual(s) with FLVCR1-related conditions (PMID: 21070897). It has also been observed to segregate with disease in related individuals. This sequence change replaces alanine, which is neutral and non-polar, with threonine, which is neutral and polar, at codon 241 of the FLVCR1 protein (p.Ala241Thr).

Clinical Genetics Service, Universitary Hospital 12 de Octubre
Classification: Pathogenic for Posterior column ataxia-retinitis pigmentosa syndrome. Review status: criteria provided, single submitter. Criteria: ACMG Guidelines, 2015. Collection method: clinical testing. Allele origin: germline. Affected: yes.

OMIM
Classification: Pathogenic for RETINOPATHY-SENSORY NEUROPATHY SYNDROME. Last evaluated: 2010-11-12. Review status: no assertion criteria provided. Collection method: literature only. Allele origin: germline. Not counted in ClinVar's aggregate classification.

Literature cited by the submitters: PubMed 22483575 (cited by Labcorp Genetics (formerly Invitae), Labcorp); PubMed 21070897 (cited by Labcorp Genetics (formerly Invitae), Labcorp and OMIM); PubMed 9855554 (cited by OMIM).